The following is an entry in ClinVar:

ClinVar aggregate classification (germline): Uncertain significance (1 of 4 stars; one submission).

Submission:

GeneDx
Classification: Uncertain significance. Last evaluated: 2025-08-06. Review status: criteria provided, single submitter. Criteria: GeneDx Variant Classification Process June 2021. Collection method: clinical testing. Allele origin: germline. Affected: yes.
Comment: Not observed at significant frequency in large population cohorts (gnomAD); In silico analysis supports that this missense variant has a deleterious effect on protein structure/function; Has not been previously published as pathogenic or benign to our knowledge; In silico analysis is inconclusive as to whether the variant alters gene splicing. In the absence of RNA/functional studies, the actual effect of this sequence change is unknown.

NM_001395002.1(MAP4K4):c.3894T>G (p.Asp1298Glu)

Gene: MAP4K4 (mitogen-activated protein kinase kinase kinase kinase 4; plus strand). Cytogenetic location: 2q11.2.
Variant type: single nucleotide variant.
Coding change: c.3894T>G on transcript NM_001395002.1 (MANE Select); coding-DNA position 3894, T replaced by G.
Protein change: p.Asp1298Glu; replaces aspartic acid 1298 with glutamic acid.
Molecular consequence: missense variant. On other transcripts: non-coding transcript variant (4).
Genome position (GRCh38, 1-based): chr2:101,887,900, T>G. VCF-style: chr2-101887900-T-G. GRCh37 (hg19) VCF-style: chr2-102504362-T-G.
Other names: c.3378T>G, p.Asp1126Glu (NM_145687.4, NM_001384559.1); c.3459T>G, p.Asp1153Glu (NM_001242559.2); c.3447T>G, p.Asp1149Glu (NM_001242560.2); c.3537T>G, p.Asp1179Glu (NM_001384476.1); c.3726T>G, p.Asp1242Glu (NM_001384477.1); c.3216T>G, p.Asp1072Glu (NM_001384478.1); c.3678T>G, p.Asp1226Glu (NM_001384481.1); c.3207T>G, p.Asp1069Glu (NM_001384482.1); and 40 more; short protein forms D1063E, D1069E, D1072E, D1079E, D1091E, D1102E, D1103E, D1114E.
Identifiers: ClinVar variation 4755976 (VCV004755976.1).